The following is an entry in ClinVar:

NM_181351.5(NCAM1):c.1090-409G>A

Gene: NCAM1 (neural cell adhesion molecule 1; plus strand). Cytogenetic location: 11q23.2.
Variant type: single nucleotide variant.
Coding change: c.1090-409G>A on transcript NM_181351.5 (MANE Select); 409 bases into the intron before coding-DNA position 1090, G replaced by A.
Molecular consequence: intron variant. On other transcripts: missense variant (3).
Genome position (GRCh38, 1-based): chr11:113,231,236, G>A. VCF-style: chr11-113231236-G-A. GRCh37 (hg19) VCF-style: chr11-113101958-G-A.
Other names: c.196-409G>A (NM_001400613.1, NM_001400611.1, NM_001400614.1 and 1 more transcripts); c.1130G>A, p.Gly377Glu (NM_001242607.2, NM_001400612.1, NM_001400616.1); c.1090-409G>A (NM_001400621.1, NM_001400615.1, NM_001400624.1 and 5 more transcripts); c.1060-409G>A (NM_001400623.1, NM_001400620.1, NM_001400618.1 and 11 more transcripts); c.985-409G>A (NM_001400606.1); short protein forms G377E.
Identifiers: ClinVar variation 2642375 (VCV002642375.24), dbSNP rs117219783, ClinGen allele CA6279020.
Genomic context (GRCh38, chr11:113,231,236, plus strand): 5'-CTTGGAATGTCCTGCCACAGGTACATGCACCATGGAACTGGCAAGTGGGCAGACAGAAAG[G>A]ACAGGCTGGCAGTGCAGGTTTCCCAGGATCTCATGAGGTAGGGCTGCTGCTGCTGCTGCT-3'

ClinVar aggregate classification (germline): Benign (1 of 4 stars; one submission).

Allele frequency attached by ClinVar (database versions not stated): 1000 Genomes Project 30x 0.00219; 1000 Genomes Project 0.00220; ExAC 0.00518; gnomAD 0.00525.
gnomAD v4.1: 10,605 of 1,536,138 alleles (0.69%); highest among the groups gnomAD compares: Middle Eastern, 1.5%; 48 homozygotes.

Submission:

CeGaT Center for Human Genetics Tuebingen
Classification: Benign. Last evaluated: 2022-07-01. Review status: criteria provided, single submitter. Criteria: CeGaT Center For Human Genetics Tuebingen Variant Classification Criteria Version 2. Collection method: clinical testing. Allele origin: germline. Affected: yes. Observed: 1 variant allele.
Comment: NCAM1: BP4, BS1, BS2